The following is an entry in ClinVar:

NM_022124.6(CDH23):c.2289C>T (p.Thr763=)

Gene: CDH23 (cadherin related 23; plus strand). Cytogenetic location: 10q22.1.
Variant type: single nucleotide variant.
Coding change: c.2289C>T on transcript NM_022124.6 (MANE Select); coding-DNA position 2289, C replaced by T.
Protein change: p.Thr763=; no amino-acid change (threonine 763 retained).
Molecular consequence: synonymous variant.
Genome position (GRCh38, 1-based): chr10:71,694,259, C>T. VCF-style: chr10-71694259-C-T. GRCh37 (hg19) VCF-style: chr10-73454016-C-T.
Other names: c.2289C>T, p.Thr763= (NM_001171930.2, NM_001171931.2).
Identifiers: ClinVar variation 879159 (VCV000879159.9), dbSNP rs770008354, ClinGen allele CA5544149.

ClinVar aggregate classification (germline): Conflicting classifications of pathogenicity. Review status: criteria provided, conflicting classifications (1 of 4 stars). 5 submissions from 4 submitters: Uncertain significance (3); Likely benign (2). Last evaluated 2026-03-12.

Conditions:
Autosomal recessive nonsyndromic hearing loss 12. Also called: DEAFNESS, AUTOSOMAL RECESSIVE 12. Identifiers: Orphanet 90636, MedGen C1832394, MONDO:0011067, OMIM 601386.
Usher syndrome type 1D (USH1D). Also called: USHER SYNDROME, TYPE ID. Identifiers: Orphanet 231169, Orphanet 886, MedGen C1832845, MONDO:0010984, OMIM 601067.
CDH23-related disorder. Also called: CDH23-related disorders; CDH23-related condition.

Allele frequency attached by ClinVar (database versions not stated): gnomAD exomes 0.00003; ExAC 0.00004; gnomAD 0.00006; TOPMed 0.00006.
gnomAD v4.1: 61 of 1,608,840 alleles (0.0038%); highest among the groups gnomAD compares: African/African-American, 0.025%; no homozygotes.

Submissions (5):

PreventionGenetics, part of Exact Sciences
Classification: Likely benign for CDH23-related condition. Last evaluated: 2026-03-12. Review status: criteria provided, single submitter. Criteria: ACMG Guidelines, 2015. Collection method: clinical testing. Allele origin: germline.
Comment: This variant is classified as likely benign based on ACMG/AMP sequence variant interpretation guidelines (Richards et al. 2015 PMID: 25741868, with internal and published modifications).

Labcorp Genetics (formerly Invitae), Labcorp
Classification: Uncertain significance. Last evaluated: 2024-11-05. Review status: criteria provided, single submitter. Criteria: Invitae Variant Classification Sherloc (09022015). Collection method: clinical testing. Allele origin: germline.
Comment: This sequence change affects codon 763 of the CDH23 mRNA. It is a 'silent' change, meaning that it does not change the encoded amino acid sequence of the CDH23 protein. It affects a nucleotide within the consensus splice site. This variant is present in population databases (rs770008354, gnomAD 0.02%). This variant has not been reported in the literature in individuals affected with CDH23-related conditions. ClinVar contains an entry for this variant (Variation ID: 879159). Algorithms developed to predict the effect of sequence changes on RNA splicing suggest that this variant is not likely to affect RNA splicing. In summary, the available evidence is currently insufficient to determine the role of this variant in disease. Therefore, it has been classified as a Variant of Uncertain Significance.

Blueprint Genetics
Classification: Likely benign. Last evaluated: 2024-10-18. Review status: criteria provided, single submitter. Criteria: ACMG Guidelines, 2015. Collection method: clinical testing. Allele origin: germline.

Illumina Laboratory Services, Illumina
Classification: Uncertain significance for Autosomal recessive nonsyndromic hearing loss 12. Last evaluated: 2018-01-13. Review status: criteria provided, single submitter. Criteria: ICSL Variant Classification Criteria 13 December 2019. Collection method: clinical testing. Allele origin: germline.

Illumina Laboratory Services, Illumina
Classification: Uncertain significance for Usher syndrome type 1D. Last evaluated: 2018-01-13. Review status: criteria provided, single submitter. Criteria: ICSL Variant Classification Criteria 13 December 2019. Collection method: clinical testing. Allele origin: germline.